The following is an entry in ClinVar:

ClinVar aggregate classification (germline): Likely benign (0 of 4 stars; one submission).

Conditions:
CNOT1-related disorder. Also called: CNOT1-related condition.

Allele frequency attached by ClinVar (database versions not stated): ESP Exome Variant Server 0.00041; gnomAD 0.00058; TOPMed 0.00072; 1000 Genomes Project 30x 0.00094; 1000 Genomes Project 0.00100.
gnomAD v4.1: 153 of 1,606,026 alleles (0.0095%); highest among the groups gnomAD compares: African/African-American, 0.18%; no homozygotes.

Submission:

PreventionGenetics, part of Exact Sciences
Classification: Likely benign for CNOT1-related condition. Last evaluated: 2020-04-27. Review status: no assertion criteria provided. Collection method: clinical testing. Allele origin: germline.
Comment: This variant is classified as likely benign based on ACMG/AMP sequence variant interpretation guidelines (Richards et al. 2015 PMID: 25741868, with internal and published modifications).

NM_016284.5(CNOT1):c.4434+79T>C

Gene: CNOT1 (CCR4-NOT transcription complex subunit 1; minus strand). Cytogenetic location: 16q21.
Variant type: single nucleotide variant.
Coding change: c.4434+79T>C on transcript NM_016284.5 (MANE Select); 79 bases into the intron after coding-DNA position 4434, T replaced by C.
Molecular consequence: intron variant. On other transcripts: missense variant (1).
Genome position (GRCh38, 1-based): chr16:58,543,528, A>G on the plus strand (T>C on the coding strand, the complement: CNOT1 is on the minus strand). VCF-style: chr16-58543528-A-G. GRCh37 (hg19) VCF-style: chr16-58577432-A-G.
Other names: c.4513T>C, p.Trp1505Arg (NM_206999.3); c.4419+79T>C (NM_001265612.2); short protein forms W1505R.
Identifiers: ClinVar variation 3035353 (VCV003035353.2), dbSNP rs188816447, ClinGen allele CA8089164.
Genomic context (GRCh38, chr16:58,543,528, plus strand): 5'-TGATGGAAGACATCAAACAAATATGGTGATTATTAAGAATAAGTGGTAACGCCCAGTGCC[A>G]TATATAGACAAAGAAAAAAATTATTACAGACAAGCAGTAATACGTTTTGTACCTATACCA-3'